The following is an entry in ClinVar:

NC_000011.9:g.(?_108009605)_(108017106_?)del

Gene: ACAT1 (acetyl-CoA acetyltransferase 1; plus strand). Cytogenetic location: 11q22.3.
Variant type: Deletion.
Identifiers: ClinVar variation 3244604 (VCV003244604.1).

ClinVar aggregate classification (germline): Pathogenic (1 of 4 stars; one submission).

Conditions:
Deficiency of acetyl-CoA acetyltransferase. Also called: 3-KETOTHIOLASE DEFICIENCY; 3-OXOTHIOLASE DEFICIENCY; MITOCHONDRIAL ACETOACETYL-CoA THIOLASE DEFICIENCY; Beta-ketothiolase deficiency. Identifiers: Orphanet 134, MedGen C1536500, MONDO:0008760, OMIM 203750. Disease mechanism: loss of function.

Submission:

Labcorp Genetics (formerly Invitae), Labcorp
Classification: Pathogenic for Deficiency of acetyl-CoA acetyltransferase. Last evaluated: 2023-08-14. Review status: criteria provided, single submitter. Criteria: Invitae Variant Classification Sherloc (09022015). Collection method: clinical testing. Allele origin: unknown.
Comment: This variant is a gross deletion of the genomic region encompassing exon(s) 6-11 of the ACAT1 gene. This deletion is out-of-frame, and is expected to create a premature termination codon and result in an absent or disrupted protein product. Loss-of-function variants in ACAT1 are known to be pathogenic (PMID: 7749408). A similar copy number variant has been observed in individual(s) with beta-ketothiolase deficiency (PMID: 28220263). For these reasons, this variant has been classified as Pathogenic.

Literature cited by the submitters: PubMed 7749408; PubMed 28220263.